The following is an entry in ClinVar:

NM_000263.4(NAGLU):c.274T>C (p.Tyr92His)

Genes: NAGLU (N-acetyl-alpha-glucosaminidase; plus strand), LOC130060903 (ATAC-STARR-seq lymphoblastoid silent region 8533; plus strand). Cytogenetic location: 17q21.2.
Variant type: single nucleotide variant.
Coding change: c.274T>C on transcript NM_000263.4 (MANE Select); coding-DNA position 274, T replaced by C.
Protein change: p.Tyr92His; replaces tyrosine 92 with histidine.
Molecular consequence: missense variant.
Genome position (GRCh38, 1-based): chr17:42,536,546, T>C. VCF-style: chr17-42536546-T-C. GRCh37 (hg19) VCF-style: chr17-40688564-T-C.
Other names: short protein forms Y92H.
Identifiers: ClinVar variation 556920 (VCV000556920.12), dbSNP rs1555621454, ClinGen allele CA399595903.

ClinVar aggregate classification (germline): Pathogenic/Likely pathogenic. Review status: criteria provided, multiple submitters, no conflicts (2 of 4 stars). 4 submissions from 4 submitters: Pathogenic (2); Likely pathogenic (1). 1 of the submissions does not count toward it. Last evaluated 2024-03-06.

Conditions:
Mucopolysaccharidosis, MPS-III-B (MPS3B). Also called: MPS III B; MUCOPOLYSACCHARIDOSIS, TYPE IIIB; N-ACETYL-ALPHA-D-GLUCOSAMINIDASE DEFICIENCY; NAGLU DEFICIENCY; SANFILIPPO SYNDROME B; Mucopolysaccharidosis type IIIB (Sanfilippo B). Identifiers: Orphanet 79270, MedGen C0086648, MONDO:0009656, OMIM 252920.
Charcot-Marie-Tooth disease axonal type 2V. Also called: CHARCOT-MARIE-TOOTH NEUROPATHY, TYPE 2V; CHARCOT-MARIE-TOOTH DISEASE, AXONAL, AUTOSOMAL DOMINANT, TYPE 2V. Identifiers: Orphanet 447964, MedGen C5569050, MONDO:0014665, OMIM 616491.

Allele frequency attached by ClinVar (database versions not stated): TOPMed below 0.00001; gnomAD 0.00001; gnomAD exomes 0.00001.
gnomAD v4.1: 10 of 1,467,342 alleles (0.00068%); highest among the groups gnomAD compares: Non-Finnish European, 0.0009%; no homozygotes.

Submissions (4):

Labcorp Genetics (formerly Invitae), Labcorp
Classification: Pathogenic for Charcot-Marie-Tooth disease axonal type 2V; Mucopolysaccharidosis, MPS-III-B. Last evaluated: 2024-03-06. Review status: criteria provided, single submitter. Criteria: Invitae Variant Classification Sherloc (09022015). Collection method: clinical testing. Allele origin: germline.
Comment: This sequence change replaces tyrosine, which is neutral and polar, with histidine, which is basic and polar, at codon 92 of the NAGLU protein (p.Tyr92His). This variant is not present in population databases (gnomAD no frequency). This missense change has been observed in individual(s) with mucopolysaccharidosis type III (PMID: 9443878, 22976768, 23840811, 30809705). ClinVar contains an entry for this variant (Variation ID: 556920). Advanced modeling of protein sequence and biophysical properties (such as structural, functional, and spatial information, amino acid conservation, physicochemical variation, residue mobility, and thermodynamic stability) performed at Invitae indicates that this missense variant is expected to disrupt NAGLU protein function with a positive predictive value of 95%. Experimental studies have shown that this missense change affects NAGLU function (PMID: 9443878, 22002444). For these reasons, this variant has been classified as Pathogenic.

Women's Health and Genetics/Laboratory Corporation of America, LabCorp
Classification: Pathogenic for Mucopolysaccharidosis, MPS-III-B. Last evaluated: 2023-07-26. Review status: criteria provided, single submitter. Criteria: LabCorp Variant Classification Summary - May 2015. Collection method: clinical testing. Allele origin: germline.
Comment: Variant summary: NAGLU c.274T>C (p.Tyr92His) results in a conservative amino acid change located in the Alpha-N-acetylglucosaminidase, N-terminal domain (IPR024240) of the encoded protein sequence. Four of five in-silico tools predict a damaging effect of the variant on protein function. The variant was absent in 77002 control chromosomes (gnomAD). c.274T>C has been reported in the literature in compound heterozygous and homozygous individuals affected with Mucopolysaccharidosis Type IIIB (Sanfilippo Syndrome B) (Schmidtchen_1998, Pollard_2013, Zanetti_2019, Barone_2021). These data indicate that the variant is likely to be associated with disease. At least two publications report experimental evidence evaluating an impact on protein function and this variant results in low NAG activity in fibroblast cell lines and transfected CHO cells. The following publications have been ascertained in the context of this evaluation (PMID: 34349725, 23840811, 22976768, 9443878, 30809705). Three submitters have cited clinical-significance assessments for this variant to ClinVar after 2014 and classified this variant as uncertain significance, likely pathogenic and pathogenic. Based on the evidence outlined above, the variant was classified as pathogenic.

Laboratory of Diagnosis and Therapy of Lysosomal Disorders, University of Padova
Classification: Likely pathogenic for Mucopolysaccharidosis, MPS-III-B. Last evaluated: 2019-01-01. Review status: criteria provided, single submitter. Criteria: ACMG Guidelines, 2015. Collection method: literature only. Allele origin: germline. Affected: yes.
Comment: PS3: Low in vitro enzymatic activity. PM2: Absent from GnomAD

Counsyl
Classification: Uncertain significance for Mucopolysaccharidosis, MPS-III-B. Last evaluated: 2018-02-27. Review status: no assertion criteria provided. Collection method: clinical testing. Allele origin: unknown. Not counted in ClinVar's aggregate classification.

Literature cited by the submitters: PubMed 9443878 (cited by 4 submitters); PubMed 22976768 (cited by 3 submitters); PubMed 23840811 (cited by Labcorp Genetics (formerly Invitae), Labcorp and Women's Health and Genetics/Laboratory Corporation of America, LabCorp); PubMed 30809705 (cited by 3 submitters); PubMed 22002444 (cited by Labcorp Genetics (formerly Invitae), Labcorp and Counsyl); PubMed 34349725 (cited by Women's Health and Genetics/Laboratory Corporation of America, LabCorp).